The following is an entry in ClinVar:

NM_012210.4(TRIM32):c.1954A>G (p.Thr652Ala)

Genes: ASTN2 (astrotactin 2; minus strand), TRIM32 (tripartite motif containing 32; plus strand). Cytogenetic location: 9q33.1.
Variant type: single nucleotide variant.
Coding change: c.1954A>G on transcript NM_012210.4 (MANE Select); coding-DNA position 1954, A replaced by G.
Protein change: p.Thr652Ala; replaces threonine 652 with alanine.
Molecular consequence: missense variant. On other transcripts: intron variant (3).
Genome position (GRCh38, 1-based): chr9:116,699,696, A>G. VCF-style: chr9-116699696-A-G. GRCh37 (hg19) VCF-style: chr9-119461975-A-G.
Other names: c.1954A>G, p.Thr652Ala (NM_001099679.2, NM_001379048.1, NM_001379049.1 and 1 more transcripts); c.2653+26075T>C (NM_014010.5); c.2794+26075T>C (NM_001365069.1); c.2806+26075T>C (NM_001365068.1); short protein forms T652A.
Identifiers: ClinVar variation 195282 (VCV000195282.11), dbSNP rs763172140, ClinGen allele CA241635.
Genomic context (GRCh38, chr9:116,699,696, plus strand): 5'-GTCTTGGACTGTTGGGATCATTGCATCAAGATCTACAGCTACCATCTGAGAAGATATTCC[A>G]CCCCATAGGGGATGAGAAATTATCAGTTTCTTCTGCTCCCAAGCCAACTTCCCTTCCCTT-3'
Protein context (NP_036342.2, residues 642-653): IYSYHLRRYS[Thr652Ala]P

ClinVar aggregate classification (germline): Uncertain significance. Review status: criteria provided, multiple submitters, no conflicts (2 of 4 stars). 5 submissions from 5 submitters: Uncertain significance (5). Last evaluated 2025-08-05.

Conditions:
Bardet-Biedl syndrome 11 (BBS11). Identifiers: Orphanet 110, MedGen C1859569, MONDO:0014439, OMIM 615988.
Sarcotubular myopathy (LGMDR8). Also called: Hutterite type of muscular dystrophy; Limb-girdle muscular dystrophy, type 2H; Autosomal recessive limb-girdle muscular dystrophy type 2H; MUSCULAR DYSTROPHY, LIMB-GIRDLE, AUTOSOMAL RECESSIVE 8. Identifiers: Orphanet 1878, MedGen C0270968, MONDO:0009683, OMIM 254110.
TRIM32-related disorder. Also called: TRIM32-related condition.
Inborn genetic diseases. Identifiers: MedGen C0950123, MeSH D030342.
Bardet-Biedl syndrome (BBS). Identifiers: Orphanet 110, MedGen C0752166, MONDO:0015229.

Allele frequency attached by ClinVar (database versions not stated): ExAC 0.00001; gnomAD 0.00001; gnomAD exomes 0.00001 and 0.00003; TOPMed 0.00002.
gnomAD v4.1: 17 of 1,613,930 alleles (0.0011%); highest among the groups gnomAD compares: Non-Finnish European, 0.0014%; no homozygotes.

Submissions (5):

Ambry Genetics
Classification: Uncertain significance for Inborn genetic diseases. Last evaluated: 2025-08-05. Review status: criteria provided, single submitter. Criteria: Ambry Variant Classification Scheme 2023. Collection method: clinical testing. Allele origin: germline.

PreventionGenetics, part of Exact Sciences
Classification: Uncertain significance for TRIM32-related condition. Last evaluated: 2025-05-01. Review status: criteria provided, single submitter. Criteria: ACMG Guidelines, 2015. Collection method: clinical testing. Allele origin: germline.
Comment: The TRIM32 c.1954A>G variant is predicted to result in the amino acid substitution p.Thr652Ala. To our knowledge, this variant has not been reported in the literature. This variant is reported in 0.0026% of alleles in individuals of European (Non-Finnish) descent in gnomAD. At this time, the clinical significance of this variant is uncertain due to the absence of conclusive functional and genetic evidence.

Labcorp Genetics (formerly Invitae), Labcorp
Classification: Uncertain significance for Bardet-Biedl syndrome. Last evaluated: 2022-08-09. Review status: criteria provided, single submitter. Criteria: Invitae Variant Classification Sherloc (09022015). Collection method: clinical testing. Allele origin: germline.
Comment: This sequence change replaces threonine, which is neutral and polar, with alanine, which is neutral and non-polar, at codon 652 of the TRIM32 protein (p.Thr652Ala). This variant is present in population databases (rs763172140, gnomAD 0.003%). This variant has not been reported in the literature in individuals affected with TRIM32-related conditions. ClinVar contains an entry for this variant (Variation ID: 195282). Algorithms developed to predict the effect of missense changes on protein structure and function (SIFT, PolyPhen-2, Align-GVGD) all suggest that this variant is likely to be tolerated. In summary, the available evidence is currently insufficient to determine the role of this variant in disease. Therefore, it has been classified as a Variant of Uncertain Significance.

Fulgent Genetics
Classification: Uncertain significance for Sarcotubular myopathy; Bardet-Biedl syndrome 11. Last evaluated: 2022-05-04. Review status: criteria provided, single submitter. Criteria: ACMG Guidelines, 2015. Collection method: clinical testing. Allele origin: unknown.

Eurofins Ntd Llc (ga)
Classification: Uncertain significance. Last evaluated: 2016-11-03. Review status: criteria provided, single submitter. Criteria: EGL Classification Definitions 2015. Collection method: clinical testing. Allele origin: germline. Observed: 2 variant alleles, 2 heterozygotes.